The following is an entry in ClinVar:

NM_021008.4(DEAF1):c.751G>A (p.Asp251Asn)

Gene: DEAF1 (DEAF1 transcription factor; minus strand). Cytogenetic location: 11p15.5.
Variant type: single nucleotide variant.
Coding change: c.751G>A on transcript NM_021008.4 (MANE Select); coding-DNA position 751, G replaced by A.
Protein change: p.Asp251Asn; replaces aspartic acid 251 with asparagine.
Molecular consequence: missense variant. On other transcripts: intron variant (1).
Genome position (GRCh38, 1-based): chr11:686,911, C>T on the plus strand (G>A on the coding strand, the complement: DEAF1 is on the minus strand). VCF-style: chr11-686911-C-T. GRCh37 (hg19) VCF-style: chr11-686911-C-T.
Other names: c.25G>A, p.Asp9Asn (NM_001367390.1, NM_001440885.1, NM_001440886.1 and 1 more transcripts); c.751G>A, p.Asp251Asn (NM_001440883.1, NM_001440884.1); c.664+1000G>A (NM_001293634.2); short protein forms D251N, D9N.
Identifiers: ClinVar variation 2421207 (VCV002421207.6), dbSNP rs2494448656, ClinGen allele CA378932183.

ClinVar aggregate classification (germline): Pathogenic (1 of 4 stars; one submission).

Submission:

Labcorp Genetics (formerly Invitae), Labcorp
Classification: Pathogenic. Last evaluated: 2022-09-20. Review status: criteria provided, single submitter. Criteria: Invitae Variant Classification Sherloc (09022015). Collection method: clinical testing. Allele origin: germline.
Comment: This missense change has been observed in individual(s) with clinical features of autosomal dominant DEAF1-related conditions (Invitae). In at least one individual the variant was observed to be de novo. For these reasons, this variant has been classified as Pathogenic. Advanced modeling of protein sequence and biophysical properties (such as structural, functional, and spatial information, amino acid conservation, physicochemical variation, residue mobility, and thermodynamic stability) performed at Invitae indicates that this missense variant is expected to disrupt DEAF1 protein function. This variant is not present in population databases (gnomAD no frequency). This sequence change replaces aspartic acid, which is acidic and polar, with asparagine, which is neutral and polar, at codon 251 of the DEAF1 protein (p.Asp251Asn).